The following is an entry in ClinVar:

ClinVar aggregate classification (germline): Likely benign (1 of 4 stars; one submission).

Submission:

Center for Pediatric Genomic Medicine, Children's Mercy Hospital and Clinics
Classification: Likely benign. Last evaluated: 2017-01-02. Review status: criteria provided, single submitter. Criteria: ACMG Guidelines, 2015. Collection method: clinical testing. Allele origin: germline.
ClinVar note: Converted during submission from Likely Benign to Likely benign.

NC_012920.1(MT-CYB):m.15487A>G

Gene: MT-CYB (mitochondrially encoded cytochrome b; plus strand).
Variant type: single nucleotide variant.
Genome position: chrM-15487-A-G.
Identifiers: ClinVar variation 377154 (VCV000377154.3), dbSNP rs28357370, ClinGen allele CA16603284.